The following is an entry in ClinVar:

ClinVar aggregate classification (germline): Likely benign. Review status: criteria provided, multiple submitters, no conflicts (2 of 4 stars). 2 submissions from 2 submitters: Likely benign (2). Last evaluated 2025-12-20.

Conditions:
CLASP1-related disorder. Also called: CLASP1-related condition.

Allele frequency attached by ClinVar (database versions not stated): ExAC 0.00037; 1000 Genomes Project 0.00200; 1000 Genomes Project 30x 0.00219.
gnomAD v4.1: 397 of 699,694 alleles (0.057%); highest among the groups gnomAD compares: African/African-American, 0.56%; no homozygotes.

Submissions (2):

Labcorp Genetics (formerly Invitae), Labcorp
Classification: Likely benign. Last evaluated: 2025-12-20. Review status: criteria provided, single submitter. Criteria: Invitae Variant Classification Sherloc (09022015). Collection method: clinical testing. Allele origin: germline.

PreventionGenetics, part of Exact Sciences
Classification: Likely benign for CLASP1-related condition. Last evaluated: 2025-03-28. Review status: criteria provided, single submitter. Criteria: ACMG Guidelines, 2015. Collection method: clinical testing. Allele origin: germline.
Comment: This variant is classified as likely benign based on ACMG/AMP sequence variant interpretation guidelines (Richards et al. 2015 PMID: 25741868, with internal and published modifications).

NM_001395891.1(CLASP1):c.196-595C>T

Genes: CLASP1 (cytoplasmic linker associated protein 1; minus strand), CLASP1-AS1 (CLASP1 antisense RNA 1; plus strand), RNU4ATAC (RNA, U4atac small nuclear; plus strand). Cytogenetic location: 2q14.2.
Variant type: single nucleotide variant.
Coding change: c.196-595C>T on transcript NM_001395891.1 (MANE Select); 595 bases into the intron before coding-DNA position 196, C replaced by T.
Molecular consequence: intron variant.
Genome position (GRCh38, 1-based): chr2:121,530,920, G>A on the plus strand (C>T on the coding strand, the complement: CLASP1 is on the minus strand). VCF-style: chr2-121530920-G-A. GRCh37 (hg19) VCF-style: chr2-122288496-G-A.
Other names: c.196-595C>T (NM_015282.2, NM_001142274.2, NM_015282.3 and 5 more transcripts).
Identifiers: ClinVar variation 1629605 (VCV001629605.9), dbSNP rs77516008, ClinGen allele CA1854695.